The following is an entry in ClinVar:

ClinVar aggregate classification (germline): Likely benign. Review status: criteria provided, multiple submitters, no conflicts (2 of 4 stars). 2 submissions from 2 submitters: Likely benign (2). Last evaluated 2026-06-24.

Conditions:
ABCD3-related disorder. Also called: ABCD3-related condition.

Allele frequency attached by ClinVar (database versions not stated): gnomAD 0.00004; TOPMed 0.00004; ExAC 0.00007; ESP Exome Variant Server 0.00008.
gnomAD v4.1: 65 of 1,604,874 alleles (0.0041%); highest among the groups gnomAD compares: Non-Finnish European, 0.0054%; no homozygotes.

Submissions (2):

PreventionGenetics, part of Exact Sciences
Classification: Likely benign for ABCD3-related condition. Last evaluated: 2026-06-24. Review status: criteria provided, single submitter. Criteria: ACMG Guidelines, 2015. Collection method: clinical testing. Allele origin: germline.
Comment: This variant is classified as likely benign based on ACMG/AMP sequence variant interpretation guidelines (Richards et al. 2015 PMID: 25741868, with internal and published modifications).

Labcorp Genetics (formerly Invitae), Labcorp
Classification: Likely benign. Last evaluated: 2024-06-20. Review status: criteria provided, single submitter. Criteria: Invitae Variant Classification Sherloc (09022015). Collection method: clinical testing. Allele origin: germline.

NM_002858.4(ABCD3):c.438G>T (p.Gly146=)

Gene: ABCD3 (ATP binding cassette subfamily D member 3; plus strand). Cytogenetic location: 1p21.3.
Variant type: single nucleotide variant.
Coding change: c.438G>T on transcript NM_002858.4 (MANE Select); coding-DNA position 438, G replaced by T.
Protein change: p.Gly146=; no amino-acid change (glycine 146 retained).
Molecular consequence: synonymous variant.
Genome position (GRCh38, 1-based): chr1:94,475,175, G>T. VCF-style: chr1-94475175-G-T. GRCh37 (hg19) VCF-style: chr1-94940731-G-T.
Other names: c.438G>T, p.Gly146= (NM_001122674.2); c.438G>T (NM_002858.3).
Identifiers: ClinVar variation 2893610 (VCV002893610.4), dbSNP rs148319104, ClinGen allele CA960126.